The following is an entry in ClinVar:

NM_033337.3(CAV3):c.330C>A (p.Tyr110Ter)

Genes: CAV3 (caveolin 3; plus strand), OXTR (oxytocin receptor; minus strand). Cytogenetic location: 3p25.3.
Variant type: single nucleotide variant.
Coding change: c.330C>A on transcript NM_033337.3 (MANE Select); coding-DNA position 330, C replaced by A.
Protein change: p.Tyr110Ter; replaces tyrosine 110 with a stop codon.
Molecular consequence: nonsense.
Genome position (GRCh38, 1-based): chr3:8,745,741, C>A. VCF-style: chr3-8745741-C-A. GRCh37 (hg19) VCF-style: chr3-8787427-C-A.
Other names: c.330C>A, p.Tyr110Ter (NM_001234.5); short protein forms Y110*.
Identifiers: ClinVar variation 1426802 (VCV001426802.7), dbSNP rs2124988641, ClinGen allele CA351663535.

ClinVar aggregate classification (germline): Conflicting classifications of pathogenicity. Review status: criteria provided, conflicting classifications (1 of 4 stars). 2 submissions from 2 submitters: Likely pathogenic (1); Uncertain significance (1). Last evaluated 2022-03-22.

Conditions:
Hypertrophic cardiomyopathy 1 (CMH1). Also called: Familial hypertrophic cardiomyopathy 1; MYH7-Related Familial Hypertrophic Cardiomyopathy. Identifiers: MedGen C3495498, MONDO:0008647, OMIM 192600.
Long QT syndrome (LQTS). Identifiers: MedGen C0023976, MeSH D008133, MONDO:0002442. Disease mechanism: loss of function. Inheritance: Various modes of inheritance.

Submissions (2):

3billion
Classification: Likely pathogenic for Hypertrophic cardiomyopathy 1. Last evaluated: 2022-03-22. Review status: criteria provided, single submitter. Criteria: ACMG Guidelines, 2015. Collection method: clinical testing. Allele origin: germline. Affected: yes. Observed: 1 heterozygote.
Comment: Stop-gained (nonsense): predicted to result in a loss or disruption of normal protein function through protein truncation. The predicted truncated protein may be shortened by more than 10%. It is not observed in the gnomAD v2.1.1 dataset. Therefore, this variant is classified as likely pathogenic according to the recommendation of ACMG/AMP guideline.

Labcorp Genetics (formerly Invitae), Labcorp
Classification: Uncertain significance for Long QT syndrome. Last evaluated: 2021-05-09. Review status: criteria provided, single submitter. Criteria: Invitae Variant Classification Sherloc (09022015). Collection method: clinical testing. Allele origin: germline.
Comment: In summary, the available evidence is currently insufficient to determine the role of this variant in disease. Therefore, it has been classified as a Variant of Uncertain Significance. Experimental studies and prediction algorithms are not available or were not evaluated, and the functional significance of this variant is currently unknown. This variant has not been reported in the literature in individuals with CAV3-related conditions. This variant is not present in population databases (ExAC no frequency). This sequence change creates a premature translational stop signal (p.Tyr110*) in the CAV3 gene. While this is not anticipated to result in nonsense mediated decay, it is expected to disrupt the last 42 amino acid(s) of the CAV3 protein.